The following is an entry in ClinVar:

NM_003803.4(MYOM1):c.1455G>C (p.Arg485=)

Gene: MYOM1 (myomesin 1; minus strand). Cytogenetic location: 18p11.31.
Variant type: single nucleotide variant.
Coding change: c.1455G>C on transcript NM_003803.4 (MANE Select); coding-DNA position 1455, G replaced by C.
Protein change: p.Arg485=; no amino-acid change (arginine 485 retained).
Molecular consequence: synonymous variant.
Genome position (GRCh38, 1-based): chr18:3,164,324, C>G on the plus strand (G>C on the coding strand, the complement: MYOM1 is on the minus strand). VCF-style: chr18-3164324-C-G. GRCh37 (hg19) VCF-style: chr18-3164322-C-G.
Other names: c.1455G>C, p.Arg485= (NM_019856.2).
Identifiers: ClinVar variation 226802 (VCV000226802.20), dbSNP rs193006519, ClinGen allele CA8874944.

ClinVar aggregate classification (germline): Benign/Likely benign. Review status: criteria provided, multiple submitters, no conflicts (2 of 4 stars). 3 submissions from 3 submitters: Benign (2); Likely benign (1). Last evaluated 2026-01-27.

Conditions:
Hypertrophic cardiomyopathy. Also called: HYPERTROPHIC MYOCARDIOPATHY. Identifiers: Orphanet 217569, MedGen C0007194, MeSH D002312, MONDO:0005045, HP:0001639.

Allele frequency attached by ClinVar (database versions not stated): ExAC 0.00109; ESP Exome Variant Server 0.00260; 1000 Genomes Project 0.00300; gnomAD 0.00299 and 0.00323; TOPMed 0.00358; gnomAD exomes 0.00079 and 0.00031; 1000 Genomes Project 30x 0.00344.
gnomAD v4.1: 925 of 1,613,090 alleles (0.057%); highest among the groups gnomAD compares: African/African-American, 1.1%; 4 homozygotes.

Submissions (3):

Labcorp Genetics (formerly Invitae), Labcorp
Classification: Benign for Hypertrophic cardiomyopathy. Last evaluated: 2026-01-27. Review status: criteria provided, single submitter. Criteria: Invitae Variant Classification Sherloc (09022015). Collection method: clinical testing. Allele origin: germline.

Ambry Genetics
Classification: Likely benign. Last evaluated: 2022-05-17. Review status: criteria provided, single submitter. Criteria: Ambry Variant Classification Scheme 2023. Collection method: clinical testing. Allele origin: germline.

Laboratory for Molecular Medicine, Mass General Brigham Personalized Medicine
Classification: Benign. Last evaluated: 2014-11-24. Review status: criteria provided, single submitter. Criteria: LMM Criteria. Collection method: clinical testing. Allele origin: germline. Observed: 1 variant allele.
Comment: Arg485Arg in exon 10 of MYOM1: This variant is not expected to have clinical sig nificance because it does not alter an amino acid residue and is not located wit hin the splice consensus sequence. It has been identified in 0.8% (32/3976) of A frican American chromosomes from a broad population by the NHLBI Exome Sequencin g Project (dbSNP rs193006519).